The following is an entry in ClinVar:

NM_017736.5(THUMPD1):c.491C>G (p.Pro164Arg)

Genes: ACSM3 (acyl-CoA synthetase medium chain family member 3; plus strand), THUMPD1 (THUMP domain containing 1; minus strand). Cytogenetic location: 16p12.3.
Variant type: single nucleotide variant.
Coding change: c.491C>G on transcript NM_017736.5 (MANE Select); coding-DNA position 491, C replaced by G.
Protein change: p.Pro164Arg; replaces proline 164 with arginine.
Molecular consequence: missense variant.
Genome position (GRCh38, 1-based): chr16:20,737,872, G>C on the plus strand (C>G on the coding strand, the complement: THUMPD1 is on the minus strand). VCF-style: chr16-20737872-G-C. GRCh37 (hg19) VCF-style: chr16-20749194-G-C.
Other names: c.491C>G, p.Pro164Arg (NM_001304550.2); short protein forms P164R.
Identifiers: ClinVar variation 3367029 (VCV003367029.1).

ClinVar aggregate classification (germline): Uncertain significance (1 of 4 stars; one submission).

Conditions:
Neurodevelopmental disorder with speech delay and variable ocular anomalies (NEDSOA). Identifiers: MedGen C5774194, MONDO:0859272, OMIM 619989.

Submission:

Neuberg Centre For Genomic Medicine, NCGM
Classification: Uncertain significance for Neurodevelopmental disorder with speech delay and variable ocular anomalies. Last evaluated: 2023-05-20. Review status: criteria provided, single submitter. Criteria: ACMG Guidelines, 2015. Collection method: clinical testing. Allele origin: germline. Inheritance: Autosomal recessive inheritance. Affected: yes.
Comment: The observed missense c.491C>G(p.Pro164Arg) variant in THUMPD1 gene has not been reported previously as a pathogenic variant nor a benign variant, to our knowledge. The p.Pro164Arg variant is absent in gnomAD Exomes. This variant has not been submitted to the ClinVar database. Multiple lines of computational evidences (Polyphen - Probably damaging, SIFT - Damaging and MutationTaster - Disease causing) predict a damaging effect on protein structure and function for this variant. The reference amino acid is predicted as conserved by GERP++ and PhyloP across 100 vertebrates. The amino acid Pro at position 164 is changed to a Arg changing protein sequence and it might alter its composition and physico-chemical properties. Another missense variant [c.490C>T (p.Pro164Ser)] on the same residue of this gene has previously been reported to be disease causing (Broly M, et al., 2022), suggesting that this residue might be of clinical significance. However, additional functional studies will be required to prove the pathogenicity of p.Pro164Arg variant. For these reasons, this variant has been classified as a Variant of Uncertain Significance (VUS).